The following is an entry in ClinVar:

ClinVar aggregate classification (germline): Uncertain significance (1 of 4 stars; one submission).

Submission:

Labcorp Genetics (formerly Invitae), Labcorp
Classification: Uncertain significance. Last evaluated: 2022-07-29. Review status: criteria provided, single submitter. Criteria: Invitae Variant Classification Sherloc (09022015). Collection method: clinical testing. Allele origin: germline.
Comment: Algorithms developed to predict the effect of missense changes on protein structure and function (SIFT, PolyPhen-2, Align-GVGD) all suggest that this variant is likely to be disruptive. This missense change has been observed in individual(s) with retinitis pigmentosa (Invitae). This variant is not present in population databases (gnomAD no frequency). This sequence change replaces glycine, which is neutral and non-polar, with valine, which is neutral and non-polar, at codon 332 of the DHX38 protein (p.Gly332Val). This variant disrupts the p.Gly332 amino acid residue in DHX38. Other variant(s) that disrupt this residue have been determined to be pathogenic (PMID: 24737827). This suggests that this residue is clinically significant, and that variants that disrupt this residue are likely to be disease-causing. In summary, the available evidence is currently insufficient to determine the role of this variant in disease. Therefore, it has been classified as a Variant of Uncertain Significance.

Literature cited by the submitters: PubMed 24737827.

NM_014003.4(DHX38):c.995G>T (p.Gly332Val)

Gene: DHX38 (DEAH-box helicase 38; plus strand). Cytogenetic location: 16q22.2.
Variant type: single nucleotide variant.
Coding change: c.995G>T on transcript NM_014003.4 (MANE Select); coding-DNA position 995, G replaced by T.
Protein change: p.Gly332Val; replaces glycine 332 with valine.
Molecular consequence: missense variant.
Genome position (GRCh38, 1-based): chr16:72,099,766, G>T. VCF-style: chr16-72099766-G-T. GRCh37 (hg19) VCF-style: chr16-72133665-G-T.
Other names: short protein forms G332V.
Identifiers: ClinVar variation 2020257 (VCV002020257.4), dbSNP rs587777554, ClinGen allele CA396704171.
Genomic context (GRCh38, chr16:72,099,766, plus strand): 5'-CCCTTGCTTTGCCTCCTGCCCTGCAGCAAGCCGATCGGGATTGGTACATGATGGACGAGG[G>T]CTATGACGAGTTCCACAACCCGCTGGCCTACTCCTCCGAGGACTACGTGAGGAGGCGGGA-3'
Protein context (NP_054722.2, residues 322-342): ADRDWYMMDE[Gly332Val]YDEFHNPLAY